The following is an entry in ClinVar:

NM_006031.6(PCNT):c.5433C>T (p.Arg1811=)

Gene: PCNT (pericentrin; plus strand). Cytogenetic location: 21q22.3.
Variant type: single nucleotide variant.
Coding change: c.5433C>T on transcript NM_006031.6 (MANE Select); coding-DNA position 5433, C replaced by T.
Protein change: p.Arg1811=; no amino-acid change (arginine 1811 retained).
Molecular consequence: synonymous variant.
Genome position (GRCh38, 1-based): chr21:46,411,506, C>T. VCF-style: chr21-46411506-C-T. GRCh37 (hg19) VCF-style: chr21-47831420-C-T.
Other names: c.5079C>T, p.Arg1693= (NM_001315529.2); c.5433C>T (NM_006031.5).
Identifiers: ClinVar variation 1956234 (VCV001956234.6), dbSNP rs767119949, ClinGen allele CA321996747.
Genomic context (GRCh38, chr21:46,411,506, plus strand): 5'-GCTCGAGGCTGCGCTGGAAGCCAAGGAGGCCCTGAGCCGGCTGCTGGCTGACCAGGAGCG[C>T]AGGCACAGCCAGGCCCTGGAGGCCCTGCAGCAGCGCCTCCAGGGCGCAGAGGAGGCTGCG-3'
Protein context (NP_006022.3, residues 1801-1821): ALSRLLADQE[Arg1811=]RHSQALEALQ

ClinVar aggregate classification (germline): Likely benign. Review status: criteria provided, single submitter (1 of 4 stars). 2 submissions from 2 submitters: Likely benign (1). 1 of the submissions does not count toward it. Last evaluated 2023-11-09.

Conditions:
PCNT-related disorder. Also called: PCNT-related condition.

gnomAD v4.1: 1 of 1,609,202 alleles (0.000062%); highest among the groups gnomAD compares: Non-Finnish European, 0.000085%; no homozygotes.

Submissions (2):

Labcorp Genetics (formerly Invitae), Labcorp
Classification: Likely benign. Last evaluated: 2023-11-09. Review status: criteria provided, single submitter. Criteria: Invitae Variant Classification Sherloc (09022015). Collection method: clinical testing. Allele origin: germline.

PreventionGenetics, part of Exact Sciences
Classification: Likely benign for PCNT-related condition. Last evaluated: 2024-08-15. Review status: no assertion criteria provided. Collection method: clinical testing. Allele origin: germline. Not counted in ClinVar's aggregate classification.
Comment: This variant is classified as likely benign based on ACMG/AMP sequence variant interpretation guidelines (Richards et al. 2015 PMID: 25741868, with internal and published modifications).